The following is an entry in ClinVar:

NM_002439.5(MSH3):c.925C>G (p.Gln309Glu)

Genes: MSH3 (mutS homolog 3; plus strand), LOC126807437 (MED14-independent group 3 enhancer GRCh37_chr5:79968379-79969578; plus strand). Cytogenetic location: 5q14.1.
Variant type: single nucleotide variant.
Coding change: c.925C>G on transcript NM_002439.5 (MANE Select); coding-DNA position 925, C replaced by G.
Protein change: p.Gln309Glu; replaces glutamine 309 with glutamic acid.
Molecular consequence: missense variant.
Genome position (GRCh38, 1-based): chr5:80,672,756, C>G. VCF-style: chr5-80672756-C-G. GRCh37 (hg19) VCF-style: chr5-79968575-C-G.
Other names: c.925C>G (NM_002439.3); short protein forms Q309E.
Identifiers: ClinVar variation 3677846 (VCV003677846.3).

ClinVar aggregate classification (germline): Uncertain significance. Review status: criteria provided, multiple submitters, no conflicts (2 of 4 stars). 2 submissions from 2 submitters: Uncertain significance (2). Last evaluated 2025-09-21.

Conditions:
Hereditary cancer-predisposing syndrome. Also called: Neoplastic Syndromes, Hereditary; Tumor predisposition; Hereditary Cancer Syndrome; Hereditary neoplastic syndrome. Identifiers: Orphanet 140162, MedGen C0027672, MeSH D009386, MONDO:0015356.

Submissions (2):

Labcorp Genetics (formerly Invitae), Labcorp
Classification: Uncertain significance. Last evaluated: 2025-09-21. Review status: criteria provided, single submitter. Criteria: Invitae Variant Classification Sherloc (09022015). Collection method: clinical testing. Allele origin: germline.
Comment: This sequence change replaces glutamine, which is neutral and polar, with glutamic acid, which is acidic and polar, at codon 309 of the MSH3 protein (p.Gln309Glu). This variant is not present in population databases (gnomAD no frequency). This variant has not been reported in the literature in individuals affected with MSH3-related conditions. ClinVar contains an entry for this variant (Variation ID: 3677846). An algorithm developed to predict the effect of missense changes on protein structure and function (PolyPhen-2) suggests that this variant is likely to be disruptive. In summary, the available evidence is currently insufficient to determine the role of this variant in disease. Therefore, it has been classified as a Variant of Uncertain Significance.

Ambry Genetics
Classification: Uncertain significance for Hereditary cancer-predisposing syndrome. Last evaluated: 2025-02-15. Review status: criteria provided, single submitter. Criteria: Ambry Variant Classification Scheme 2023. Collection method: clinical testing. Allele origin: germline.
Comment: The p.Q309E variant (also known as c.925C>G), located in coding exon 6 of the MSH3 gene, results from a C to G substitution at nucleotide position 925. The glutamine at codon 309 is replaced by glutamic acid, an amino acid with highly similar properties. This amino acid position is conserved. In addition, this alteration is predicted to be deleterious by in silico analysis. Based on the available evidence, the clinical significance of this variant remains unclear.